The following is an entry in ClinVar:

ClinVar aggregate classification (germline): Likely benign (1 of 4 stars; one submission).

Conditions:
Catecholaminergic polymorphic ventricular tachycardia (CVPT). Also called: Catecholamine-induced polymorphic ventricular tachycardia. Identifiers: Orphanet 3286, MedGen C5574922, MONDO:0017990.

Submission:

All of Us Research Program, National Institutes of Health
Classification: Likely benign for Catecholaminergic polymorphic ventricular tachycardia. Last evaluated: 2023-10-23. Review status: criteria provided, single submitter. Criteria: ACMG Guidelines, 2015. Collection method: clinical testing. Allele origin: germline. Inheritance: Autosomal dominant inheritance. Observed: 1 variant allele, 1 heterozygote.
Comment: This study involves interpretation of variants in research participants for the purpose of population health screening. Participant phenotype was not available at the time of variant classification. Additional details can be found in publication PMID: 35346344, PMCID: PMC8962531

NM_001035.3(RYR2):c.1806C>T (p.Asp602=)

Gene: RYR2 (ryanodine receptor 2; plus strand). Cytogenetic location: 1q43.
Variant type: single nucleotide variant.
Coding change: c.1806C>T on transcript NM_001035.3 (MANE Select); coding-DNA position 1806, C replaced by T.
Protein change: p.Asp602=; no amino-acid change (aspartic acid 602 retained).
Molecular consequence: synonymous variant.
Genome position (GRCh38, 1-based): chr1:237,491,903, C>T. VCF-style: chr1-237491903-C-T. GRCh37 (hg19) VCF-style: chr1-237655203-C-T.
Identifiers: ClinVar variation 3074154 (VCV003074154.1), dbSNP rs2529113622, ClinGen allele CA423816920.